The following is an entry in ClinVar:

NM_000548.5(TSC2):c.1126_1135del (p.Asp376fs)

Gene: TSC2 (TSC complex subunit 2; plus strand). Cytogenetic location: 16p13.3.
Variant type: Deletion.
Coding change: c.1126_1135del on transcript NM_000548.5 (MANE Select); coding-DNA positions 1126 to 1135, 10 bases deleted (GACAGCCCGG; older notation c.1126_1135delGACAGCCCGG).
Protein change: p.Asp376fs; shifts the reading frame from aspartic acid 376.
Molecular consequence: frameshift variant.
Genome position (GRCh38, 1-based): chr16:2,061,877-2,061,886, GACAGCCCGG deleted; deleting any 10 consecutive bases within chr16:2,061,876-2,061,886 gives the same sequence; the c. name uses the placement nearest the transcript's 3' end. VCF-style (leftmost placement, unchanged base first): chr16-2061875-TGGACAGCCCG-T. GRCh37 (hg19) VCF-style: chr16-2111876-TGGACAGCCCG-T.
Other names: c.1126_1135del, p.Asp376fs (NM_001077183.3, NM_001114382.3, NM_001363528.2 and 3 more transcripts); c.1015_1024del, p.Asp339fs (NM_001318827.2); c.979_988del, p.Asp327fs (NM_001318829.2); c.526_535del, p.Asp176fs (NM_001318831.2); c.1159_1168del, p.Asp387fs (NM_001318832.2); c.1126_1135delGACAGCCCGG, p.Asp376Serfs (NM_001406663.1, NM_001406664.1, NM_001406665.1); c.1216_1225delGACAGCCCGG, p.Asp406Serfs (NM_001406667.1, NM_001406668.1); c.1015_1024delGACAGCCCGG, p.Asp339Serfs (NM_001406670.1, NM_001406678.1); and 9 more; short protein forms D176fs, D376fs, D327fs, D339fs, D387fs.
Identifiers: ClinVar variation 1799072 (VCV001799072.2), dbSNP rs2548536357, ClinGen allele CA2580090711.

ClinVar aggregate classification (germline): Pathogenic (1 of 4 stars; one submission).

Conditions:
Hereditary cancer-predisposing syndrome. Also called: Neoplastic Syndromes, Hereditary; Tumor predisposition; Hereditary Cancer Syndrome; Hereditary neoplastic syndrome. Identifiers: Orphanet 140162, MedGen C0027672, MeSH D009386, MONDO:0015356.

Submission:

Ambry Genetics
Classification: Pathogenic for Hereditary cancer-predisposing syndrome. Last evaluated: 2017-06-08. Review status: criteria provided, single submitter. Criteria: Ambry Variant Classification Scheme 2023. Collection method: clinical testing. Allele origin: germline.
Comment: The c.1126_1135del10 pathogenic mutation, located in coding exon 11 of the TSC2 gene, results from a deletion of 10 nucleotides at nucleotide positions 1126 to 1135, causing a translational frameshift with a predicted alternate stop codon (p.D376Sfs*10). This alteration is expected to result in loss of function by premature protein truncation or nonsense-mediated mRNA decay. As such, this alteration is interpreted as a disease-causing mutation.